The following is an entry in ClinVar:

ClinVar aggregate classification (germline): Uncertain significance (1 of 4 stars; one submission).

gnomAD v4.1: 4 of 1,613,922 alleles (0.00025%); highest among the groups gnomAD compares: East Asian, 0.0022%; no homozygotes.

Submission:

Labcorp Genetics (formerly Invitae), Labcorp
Classification: Uncertain significance. Last evaluated: 2024-08-04. Review status: criteria provided, single submitter. Criteria: Invitae Variant Classification Sherloc (09022015). Collection method: clinical testing. Allele origin: germline.
Comment: This sequence change replaces glycine, which is neutral and non-polar, with arginine, which is basic and polar, at codon 343 of the TAOK2 protein (p.Gly343Arg). This variant is not present in population databases (gnomAD no frequency). This variant has not been reported in the literature in individuals affected with TAOK2-related conditions. An algorithm developed to predict the effect of missense changes on protein structure and function (PolyPhen-2) suggests that this variant is likely to be disruptive. In summary, the available evidence is currently insufficient to determine the role of this variant in disease. Therefore, it has been classified as a Variant of Uncertain Significance.

NM_016151.4(TAOK2):c.1027G>A (p.Gly343Arg)

Gene: TAOK2 (TAO kinase 2; plus strand). Cytogenetic location: 16p11.2.
Variant type: single nucleotide variant.
Coding change: c.1027G>A on transcript NM_016151.4 (MANE Select); coding-DNA position 1027, G replaced by A.
Protein change: p.Gly343Arg; replaces glycine 343 with arginine.
Molecular consequence: missense variant.
Genome position (GRCh38, 1-based): chr16:29,983,099, G>A. VCF-style: chr16-29983099-G-A. GRCh37 (hg19) VCF-style: chr16-29994420-G-A.
Other names: c.1027G>A, p.Gly343Arg (NM_001252043.2, NM_004783.4); short protein forms G343R.
Identifiers: ClinVar variation 3685579 (VCV003685579.2).